The following is an entry in ClinVar:

ClinVar aggregate classification (germline): Pathogenic (1 of 4 stars; one submission).

Conditions:
Ehlers-Danlos syndrome, classic type, 1 (EDSCL1). Also called: EHLERS-DANLOS SYNDROME, GRAVIS TYPE; EHLERS-DANLOS SYNDROME, SEVERE CLASSIC TYPE; Ehlers-Danlos syndrome, type 1; Ehlers-Danlos Syndrome, Classic Type, COL5A1-Related; EDS I. Identifiers: MedGen C0268335, MONDO:0019567, OMIM 130000.

Submission:

Labcorp Genetics (formerly Invitae), Labcorp
Classification: Pathogenic for Ehlers-Danlos syndrome, classic type, 1. Last evaluated: 2024-09-21. Review status: criteria provided, single submitter. Criteria: Invitae Variant Classification Sherloc (09022015). Collection method: clinical testing. Allele origin: germline.
Comment: This sequence change creates a premature translational stop signal (p.Pro1226Glnfs*50) in the COL5A1 gene. It is expected to result in an absent or disrupted protein product. Loss-of-function variants in COL5A1 are known to be pathogenic (PMID: 23587214). This variant is not present in population databases (gnomAD no frequency). This variant has not been reported in the literature in individuals affected with COL5A1-related conditions. For these reasons, this variant has been classified as Pathogenic.

Literature cited by the submitters: PubMed 23587214.

NM_000093.5(COL5A1):c.3672del (p.Pro1226fs)

Gene: COL5A1 (collagen type V alpha 1 chain; plus strand). Cytogenetic location: 9q34.3.
Variant type: Deletion.
Coding change: c.3672del on transcript NM_000093.5 (MANE Select); coding-DNA position 3672, one base deleted (T; older notation c.3672delT).
Protein change: p.Pro1226fs; shifts the reading frame from proline 1226.
Molecular consequence: frameshift variant.
Genome position (GRCh38, 1-based): chr9:134,811,581, T deleted. VCF-style (leftmost placement, unchanged base first): chr9-134811580-CT-C. GRCh37 (hg19) VCF-style: chr9-137703426-CT-C.
Other names: c.3672del, p.Pro1226fs (NM_001278074.1); short protein forms P1226fs.
Identifiers: ClinVar variation 3721255 (VCV003721255.2).
Genomic context (GRCh38, chr9:134,811,580, plus strand): 5'-GCCAGCAGGGCCTTTTCGGGCAGAAAGGTGATGAAGGTCCCAGAGGCTTTCCTGGACCCC[CT>C]GGGCCAGTGGGGCTGCAGGTAACTGTGGGGTTCTCACCACACCGGGCTCCTCCGCTTCTG-3'